The following is an entry in ClinVar:

NM_000038.6(APC):c.445G>A (p.Asp149Asn)

Gene: APC (APC regulator of Wnt signaling pathway; plus strand). Cytogenetic location: 5q22.2.
Variant type: single nucleotide variant.
Coding change: c.445G>A on transcript NM_000038.6 (MANE Select); coding-DNA position 445, G replaced by A.
Protein change: p.Asp149Asn; replaces aspartic acid 149 with asparagine.
Molecular consequence: missense variant. On other transcripts: 5 prime UTR variant (1).
Genome position (GRCh38, 1-based): chr5:112,775,651, G>A. VCF-style: chr5-112775651-G-A. GRCh37 (hg19) VCF-style: chr5-112111348-G-A.
Other names: c.445G>A, p.Asp149Asn (NM_001127510.3, NM_001354895.2, NM_001354896.2 and 2 more transcripts); c.475G>A, p.Asp159Asn (NM_001127511.3, NM_001354897.2, NM_001354902.2); c.370G>A, p.Asp124Asn (NM_001354898.2, NM_001354904.2); c.268G>A, p.Asp90Asn (NM_001354900.2, NM_001354901.2, NM_001354905.2); c.-591G>A (NM_001354906.2); short protein forms D159N, D90N, D149N, D124N.
Identifiers: ClinVar variation 824906 (VCV000824906.53), dbSNP rs767875993, ClinGen allele CA16022289.

ClinVar aggregate classification (germline): Uncertain significance. Review status: criteria provided, multiple submitters, no conflicts (2 of 4 stars). 3 submissions from 3 submitters: Uncertain significance (3). Last evaluated 2026-02-11.

Conditions:
Hereditary cancer-predisposing syndrome. Also called: Neoplastic Syndromes, Hereditary; Tumor predisposition; Hereditary neoplastic syndrome; Hereditary Cancer Syndrome. Identifiers: Orphanet 140162, MedGen C0027672, MeSH D009386, MONDO:0015356.
Familial adenomatous polyposis 1 (FAP1). Also called: POLYPOSIS, ADENOMATOUS INTESTINAL; FAMILIAL ADENOMATOUS POLYPOSIS 1, ATTENUATED. Identifiers: MedGen C2713442, MONDO:0021056, OMIM 175100. Disease mechanism: loss of function.

Submissions (3):

St. Jude Molecular Pathology, St. Jude Children's Research Hospital
Classification: Uncertain significance for Familial adenomatous polyposis 1. Last evaluated: 2026-02-11. Review status: criteria provided, single submitter. Criteria: St. Jude Assertion Criteria 2020. Collection method: clinical testing. Allele origin: germline.
Comment: The APC c.445G>A p.(Asp149Asn) missense change is absent in gnomAD v2.1.1. The in silico tool REVEL is inconclusive about a pathogenic or benign effect of this variant on protein function, and to our knowledge functional studies have not been performed. To our knowledge, this variant has not been reported in the literature in individuals with APC-related disease. In summary, the evidence currently available is insufficient to determine the clinical significance of this variant. It has therefore been classified as of uncertain significance.

Ambry Genetics
Classification: Uncertain significance for Hereditary cancer-predisposing syndrome. Last evaluated: 2024-01-17. Review status: criteria provided, single submitter. Criteria: Ambry Variant Classification Scheme 2023. Collection method: clinical testing. Allele origin: germline.
Comment: The p.D149N variant (also known as c.445G>A), located in coding exon 4 of the APC gene, results from a G to A substitution at nucleotide position 445. The aspartic acid at codon 149 is replaced by asparagine, an amino acid with highly similar properties. This amino acid position is not well conserved in available vertebrate species. In addition, in silico predictors for this gene do not accurately predict pathogenicity. Based on the available evidence, the clinical significance of this alteration remains unclear.

Labcorp Genetics (formerly Invitae), Labcorp
Classification: Uncertain significance for Familial adenomatous polyposis 1. Last evaluated: 2024-01-15. Review status: criteria provided, single submitter. Criteria: Invitae Variant Classification Sherloc (09022015). Collection method: clinical testing. Allele origin: germline.
Comment: This sequence change replaces aspartic acid, which is acidic and polar, with asparagine, which is neutral and polar, at codon 149 of the APC protein (p.Asp149Asn). This variant is not present in population databases (gnomAD no frequency). This variant has not been reported in the literature in individuals affected with APC-related conditions. ClinVar contains an entry for this variant (Variation ID: 824906). Advanced modeling of protein sequence and biophysical properties (such as structural, functional, and spatial information, amino acid conservation, physicochemical variation, residue mobility, and thermodynamic stability) performed at Invitae indicates that this missense variant is not expected to disrupt APC protein function with a negative predictive value of 95%. In summary, the available evidence is currently insufficient to determine the role of this variant in disease. Therefore, it has been classified as a Variant of Uncertain Significance.